The following is an entry in ClinVar:

NM_000051.4(ATM):c.4256T>C (p.Leu1419Pro)

Gene: ATM (ATM serine/threonine kinase; plus strand). Cytogenetic location: 11q22.3.
Variant type: single nucleotide variant.
Coding change: c.4256T>C on transcript NM_000051.4 (MANE Select); coding-DNA position 4256, T replaced by C.
Protein change: p.Leu1419Pro; replaces leucine 1419 with proline.
Molecular consequence: missense variant.
Genome position (GRCh38, 1-based): chr11:108,289,621, T>C. VCF-style: chr11-108289621-T-C. GRCh37 (hg19) VCF-style: chr11-108160348-T-C.
Other names: c.4256T>C, p.Leu1419Pro (NM_001351834.2); short protein forms L1419P.
Identifiers: ClinVar variation 407595 (VCV000407595.20), dbSNP rs1060501622, ClinGen allele CA16613139.

ClinVar aggregate classification (germline): Uncertain significance. Review status: criteria provided, multiple submitters, no conflicts (2 of 4 stars). 6 submissions from 6 submitters: Uncertain significance (4). 2 of the submissions do not count toward it. Last evaluated 2025-11-30.

Conditions:
Hereditary cancer-predisposing syndrome. Also called: Hereditary neoplastic syndrome; Neoplastic Syndromes, Hereditary; Tumor predisposition; Hereditary Cancer Syndrome. Identifiers: Orphanet 140162, MedGen C0027672, MeSH D009386, MONDO:0015356.
Familial cancer of breast. Also called: Hereditary breast cancer; hereditary breast carcinoma; BREAST CANCER, FAMILIAL. Identifiers: Orphanet 227535, MedGen C0346153, MONDO:0016419, OMIM 114480. Disease mechanism: loss of function.
Ataxia-telangiectasia syndrome (AT). Also called: Ataxia telangiectasia (A-T); LOUIS-BAR SYNDROME; Cerebello-oculocutaneous telangiectasia; Immunodeficiency with ataxia telangiectasia; Ataxia-telangiectasia, complementation group D; AT, COMPLEMENTATION GROUP C. Identifiers: Orphanet 100, MedGen C0004135, MONDO:0008840, OMIM 208900.

Allele frequency attached by ClinVar (database versions not stated): gnomAD exomes below 0.00001; TOPMed below 0.00001; gnomAD 0.00001.
gnomAD v4.1: 3 of 1,606,170 alleles (0.00019%); highest among the groups gnomAD compares: Non-Finnish European, 0.00025%; no homozygotes.

Submissions (6):

Labcorp Genetics (formerly Invitae), Labcorp
Classification: Uncertain significance for Ataxia-telangiectasia syndrome. Last evaluated: 2025-11-30. Review status: criteria provided, single submitter. Criteria: Invitae Variant Classification Sherloc (09022015). Collection method: clinical testing. Allele origin: germline.
Comment: This sequence change replaces leucine, which is neutral and non-polar, with proline, which is neutral and non-polar, at codon 1419 of the ATM protein (p.Leu1419Pro). This variant is not present in population databases (gnomAD no frequency). This variant has not been reported in the literature in individuals affected with ATM-related conditions. ClinVar contains an entry for this variant (Variation ID: 407595). Invitae Evidence Modeling of protein sequence and biophysical properties (such as structural, functional, and spatial information, amino acid conservation, physicochemical variation, residue mobility, and thermodynamic stability) indicates that this missense variant is expected to disrupt ATM protein function with a positive predictive value of 80%. In summary, the available evidence is currently insufficient to determine the role of this variant in disease. Therefore, it has been classified as a Variant of Uncertain Significance.

Baylor Genetics
Classification: Uncertain significance for Familial cancer of breast. Last evaluated: 2023-08-25. Review status: criteria provided, single submitter. Criteria: ACMG Guidelines, 2015. Collection method: clinical testing. Allele origin: unknown.

Women's Health and Genetics/Laboratory Corporation of America, LabCorp
Classification: Uncertain significance. Last evaluated: 2022-07-14. Review status: criteria provided, single submitter. Criteria: LabCorp Variant Classification Summary - May 2015. Collection method: clinical testing. Allele origin: germline.
Comment: Variant summary: ATM c.4256T>C (p.Leu1419Pro) results in a non-conservative amino acid change in the encoded protein sequence. Five of five in-silico tools predict a damaging effect of the variant on protein function. The variant was absent in 246122 control chromosomes (gnomAD). The available data on variant occurrences in the general population are insufficient to allow any conclusion about variant significance. To our knowledge, no occurrence of c.4256T>C in individuals affected with Ataxia-Telangiectasia or ATM-related conditions and no experimental evidence demonstrating its impact on protein function have been reported. Four clinical diagnostic laboratories have submitted clinical-significance assessments for this variant to ClinVar after 2014 and all classified the variant as uncertain significance. Based on the evidence outlined above, the variant was classified as uncertain significance.

Ambry Genetics
Classification: Uncertain significance for Hereditary cancer-predisposing syndrome. Last evaluated: 2022-02-18. Review status: criteria provided, single submitter. Criteria: Ambry Variant Classification Scheme 2023. Collection method: clinical testing. Allele origin: germline.
Comment: The p.L1419P variant (also known as c.4256T>C), located in coding exon 28 of the ATM gene, results from a T to C substitution at nucleotide position 4256. The leucine at codon 1419 is replaced by proline, an amino acid with similar properties. This amino acid position is highly conserved in available vertebrate species. In addition, this alteration is predicted to be deleterious by in silico analysis. Since supporting evidence is limited at this time, the clinical significance of this alteration remains unclear.

Natera, Inc.
Classification: Uncertain significance for Ataxia-telangiectasia. Last evaluated: 2020-10-21. Review status: no assertion criteria provided. Collection method: clinical testing. Allele origin: germline. Not counted in ClinVar's aggregate classification.

Counsyl
Classification: Uncertain significance for Ataxia-telangiectasia syndrome. Last evaluated: 2018-05-23. Review status: no assertion criteria provided. Collection method: clinical testing. Allele origin: unknown. Not counted in ClinVar's aggregate classification.